The following is an entry in ClinVar:

ClinVar aggregate classification (germline): Uncertain significance. Review status: criteria provided, multiple submitters, no conflicts (2 of 4 stars). 3 submissions from 3 submitters: Uncertain significance (3). Last evaluated 2023-04-11.

Conditions:
Cardiovascular phenotype. Identifiers: MedGen CN230736.
Noonan syndrome 8 (NS8). Identifiers: Orphanet 648, MedGen C3809233, MONDO:0014143, OMIM 615355.

gnomAD v4.1: 1 of 1,614,214 alleles (0.000062%); no homozygotes.

Submissions (3):

Genome-Nilou Lab
Classification: Uncertain significance for Noonan syndrome 8. Last evaluated: 2023-04-11. Review status: criteria provided, single submitter. Criteria: ACMG Guidelines, 2015. Collection method: clinical testing. Allele origin: germline. Affected: no.

Ambry Genetics
Classification: Uncertain significance for Cardiovascular phenotype. Last evaluated: 2022-03-31. Review status: criteria provided, single submitter. Criteria: Ambry Variant Classification Scheme 2023. Collection method: clinical testing. Allele origin: germline.

3billion
Classification: Uncertain significance for Noonan syndrome 8. Last evaluated: 2022-01-03. Review status: criteria provided, single submitter. Criteria: ACMG Guidelines, 2015. Collection method: clinical testing. Allele origin: germline. Affected: yes. Observed: 1 heterozygote.
Comment: A different missense change at the same codon has been reported as pathogenic/likely pathogenic with strong evidence . In silico tool predictions suggest damaging effect of the variant on gene or gene product (REVEL: 0.7, 3CNET: 0.982). A missense variant is a common mechanism. It is not observed in the gnomAD v2.1.1 dataset, but it has been observed in patients with different diagnosis. Therefore, this variant is classified as uncertain significance according to the recommendation of ACMG/AMP guideline.

NM_006912.6(RIT1):c.116T>C (p.Met39Thr)

Gene: RIT1 (Ras like without CAAX 1; minus strand). Cytogenetic location: 1q22.
Variant type: single nucleotide variant.
Coding change: c.116T>C on transcript NM_006912.6 (MANE Select); coding-DNA position 116, T replaced by C.
Protein change: p.Met39Thr; replaces methionine 39 with threonine.
Molecular consequence: missense variant.
Genome position (GRCh38, 1-based): chr1:155,910,497, A>G on the plus strand (T>C on the coding strand, the complement: RIT1 is on the minus strand). VCF-style: chr1-155910497-A-G. GRCh37 (hg19) VCF-style: chr1-155880288-A-G.
Other names: c.8T>C, p.Met3Thr (NM_001256820.2); c.167T>C, p.Met56Thr (NM_001256821.2); c.116T>C (NM_006912.4); short protein forms M39T, M3T, M56T.
Identifiers: ClinVar variation 1333286 (VCV001333286.5), dbSNP rs2102590945, ClinGen allele CA342776085.